The following is an entry in ClinVar:

ClinVar aggregate classification (germline): Uncertain significance (1 of 4 stars; one submission).

Submission:

Labcorp Genetics (formerly Invitae), Labcorp
Classification: Uncertain significance. Last evaluated: 2025-05-11. Review status: criteria provided, single submitter. Criteria: Invitae Variant Classification Sherloc (09022015). Collection method: clinical testing. Allele origin: germline.
Comment: This sequence change replaces methionine, which is neutral and non-polar, with threonine, which is neutral and polar, at codon 1086 of the SETBP1 protein (p.Met1086Thr). This variant is not present in population databases (gnomAD no frequency). This variant has not been reported in the literature in individuals affected with SETBP1-related conditions. Invitae Evidence Modeling of protein sequence and biophysical properties (such as structural, functional, and spatial information, amino acid conservation, physicochemical variation, residue mobility, and thermodynamic stability) has been performed for this missense variant. However, the output from this modeling did not meet the statistical confidence thresholds required to predict the impact of this variant on SETBP1 protein function. In summary, the available evidence is currently insufficient to determine the role of this variant in disease. Therefore, it has been classified as a Variant of Uncertain Significance.

NM_015559.3(SETBP1):c.3257T>C (p.Met1086Thr)

Gene: SETBP1 (SET binding protein 1; plus strand). Cytogenetic location: 18q12.3.
Variant type: single nucleotide variant.
Coding change: c.3257T>C on transcript NM_015559.3 (MANE Select); coding-DNA position 3257, T replaced by C.
Protein change: p.Met1086Thr; replaces methionine 1086 with threonine.
Molecular consequence: missense variant.
Genome position (GRCh38, 1-based): chr18:44,952,597, T>C. VCF-style: chr18-44952597-T-C. GRCh37 (hg19) VCF-style: chr18-42532562-T-C.
Other names: c.3257T>C, p.Met1086Thr (NM_001379141.1, NM_001379142.1, NM_001410862.1); short protein forms M1086T.
Identifiers: ClinVar variation 4778792 (VCV004778792.1).
Genomic context (GRCh38, chr18:44,952,597, plus strand): 5'-ACGGTCAGTACCCAGCTCCTTTGTACCTATCGCACACGCTTGGAGCAGCTTCCCCATTCA[T>C]GAGGCCAACAGTGCCACCACCTCAGTTCCACACAAACTCCCACGTAAAGATGTCCGGTGC-3'
Protein context (NP_056374.2, residues 1076-1096): SHTLGAASPF[Met1086Thr]RPTVPPPQFH